The following is an entry in ClinVar:

NM_001387430.1(SH2B1):c.2119G>T (p.Ala707Ser)

Gene: SH2B1 (SH2B adaptor protein 1; plus strand). Cytogenetic location: 16p11.2.
Variant type: single nucleotide variant.
Coding change: c.2119G>T on transcript NM_001387430.1 (MANE Select); coding-DNA position 2119, G replaced by T.
Protein change: p.Ala707Ser; replaces alanine 707 with serine.
Molecular consequence: missense variant. On other transcripts: 3 prime UTR variant (5).
Genome position (GRCh38, 1-based): chr16:28,873,668, G>T. VCF-style: chr16-28873668-G-T. GRCh37 (hg19) VCF-style: chr16-28884989-G-T.
Other names: c.2119G>T, p.Ala707Ser (NM_001145795.2, NM_001308293.2, NM_001387404.1); c.*203G>T (NM_001145796.2, NM_001145812.2, NM_001308294.2 and 1 more transcripts); c.*220G>T (NM_001145797.2); short protein forms A707S.
Identifiers: ClinVar variation 3344036 (VCV003344036.1).

ClinVar aggregate classification (germline): Uncertain significance (0 of 4 stars; one submission).

Conditions:
SH2B1-related disorder. Also called: SH2B1-related condition.

gnomAD v4.1: 4 of 1,528,760 alleles (0.00026%); highest among the groups gnomAD compares: East Asian, 0.0025%; no homozygotes.

Submission:

PreventionGenetics, part of Exact Sciences
Classification: Uncertain significance for SH2B1-related condition. Last evaluated: 2024-09-12. Review status: no assertion criteria provided. Collection method: clinical testing. Allele origin: germline.
Comment: The SH2B1 c.2119G>T variant is predicted to result in the amino acid substitution p.Ala707Ser. To our knowledge, this variant has not been reported in the literature. This variant is reported in 0.0094% of alleles in individuals of East Asian descent in gnomAD. At this time, the clinical significance of this variant is uncertain due to the absence of conclusive functional and genetic evidence.